The following is an entry in ClinVar:

NM_000059.4(BRCA2):c.8567A>T (p.Glu2856Val)

Gene: BRCA2 (BRCA2 DNA repair associated; plus strand). Cytogenetic location: 13q13.1.
Variant type: single nucleotide variant.
Coding change: c.8567A>T on transcript NM_000059.4 (MANE Select); coding-DNA position 8567, A replaced by T.
Protein change: p.Glu2856Val; replaces glutamic acid 2856 with valine.
Molecular consequence: missense variant.
Genome position (GRCh38, 1-based): chr13:32,371,035, A>T. VCF-style: chr13-32371035-A-T. GRCh37 (hg19) VCF-style: chr13-32945172-A-T.
Other names: short protein forms E2856V.
Identifiers: ClinVar variation 639679 (VCV000639679.12), dbSNP rs11571747, ClinGen allele CA387752814.

ClinVar aggregate classification (germline): Conflicting classifications of pathogenicity. Review status: criteria provided, conflicting classifications (1 of 4 stars). 2 submissions from 2 submitters: Uncertain significance (1); Likely benign (1). Last evaluated 2025-05-15.

Conditions:
Hereditary cancer-predisposing syndrome. Also called: Neoplastic Syndromes, Hereditary; Tumor predisposition; Hereditary Cancer Syndrome; Hereditary neoplastic syndrome. Identifiers: Orphanet 140162, MedGen C0027672, MeSH D009386, MONDO:0015356.
Hereditary breast ovarian cancer syndrome. Also called: Hereditary breast and ovarian cancer; Hereditary breast and ovarian cancer syndrome (HBOC); BRCA1- and BRCA2-Associated Hereditary Breast and Ovarian Cancer; Hereditary breast and ovarian cancer syndrome; Hereditary breast and/or ovarian cancer syndrome; Breast and ovarian cancer. Identifiers: Orphanet 145, MedGen C0677776, MeSH D061325, MONDO:0003582. Disease mechanism: loss of function.

Submissions (2):

Ambry Genetics
Classification: Likely benign for Hereditary cancer-predisposing syndrome. Last evaluated: 2025-05-15. Review status: criteria provided, single submitter. Criteria: Ambry Variant Classification Scheme 2023. Collection method: clinical testing. Allele origin: germline.

Labcorp Genetics (formerly Invitae), Labcorp
Classification: Uncertain significance for Hereditary breast ovarian cancer syndrome. Last evaluated: 2025-03-02. Review status: criteria provided, single submitter. Criteria: Invitae Variant Classification Sherloc (09022015). Collection method: clinical testing. Allele origin: germline.
Comment: This sequence change replaces glutamic acid, which is acidic and polar, with valine, which is neutral and non-polar, at codon 2856 of the BRCA2 protein (p.Glu2856Val). This variant is not present in population databases (gnomAD no frequency). This variant has not been reported in the literature in individuals affected with BRCA2-related conditions. ClinVar contains an entry for this variant (Variation ID: 639679). Invitae Evidence Modeling of protein sequence and biophysical properties (such as structural, functional, and spatial information, amino acid conservation, physicochemical variation, residue mobility, and thermodynamic stability) indicates that this missense variant is not expected to disrupt BRCA2 protein function with a negative predictive value of 95%. In summary, the available evidence is currently insufficient to determine the role of this variant in disease. Therefore, it has been classified as a Variant of Uncertain Significance.